The following is an entry in ClinVar:

ClinVar aggregate classification (germline): Uncertain significance. Review status: criteria provided, multiple submitters, no conflicts (2 of 4 stars). 2 submissions from 2 submitters: Uncertain significance (2). Last evaluated 2025-01-27.

Conditions:
Inborn genetic diseases. Identifiers: MedGen C0950123, MeSH D030342.

gnomAD v4.1: 17 of 1,613,706 alleles (0.0011%); highest among the groups gnomAD compares: African/African-American, 0.0013%; no homozygotes.

Submissions (2):

Ambry Genetics
Classification: Uncertain significance for Inborn genetic diseases. Last evaluated: 2025-01-27. Review status: criteria provided, single submitter. Criteria: Ambry Variant Classification Scheme 2023. Collection method: clinical testing. Allele origin: germline.

Labcorp Genetics (formerly Invitae), Labcorp
Classification: Uncertain significance. Last evaluated: 2024-12-05. Review status: criteria provided, single submitter. Criteria: Invitae Variant Classification Sherloc (09022015). Collection method: clinical testing. Allele origin: germline.
Comment: This sequence change replaces alanine, which is neutral and non-polar, with threonine, which is neutral and polar, at codon 1283 of the ABCB11 protein (p.Ala1283Thr). This variant is present in population databases (no rsID available, gnomAD 0.004%). This variant has not been reported in the literature in individuals affected with ABCB11-related conditions. Invitae Evidence Modeling of protein sequence and biophysical properties (such as structural, functional, and spatial information, amino acid conservation, physicochemical variation, residue mobility, and thermodynamic stability) has been performed for this missense variant. However, the output from this modeling did not meet the statistical confidence thresholds required to predict the impact of this variant on ABCB11 protein function. In summary, the available evidence is currently insufficient to determine the role of this variant in disease. Therefore, it has been classified as a Variant of Uncertain Significance.

NM_003742.4(ABCB11):c.3847G>A (p.Ala1283Thr)

Gene: ABCB11 (ATP binding cassette subfamily B member 11; minus strand). Cytogenetic location: 2q31.1.
Variant type: single nucleotide variant.
Coding change: c.3847G>A on transcript NM_003742.4 (MANE Select); coding-DNA position 3847, G replaced by A.
Protein change: p.Ala1283Thr; replaces alanine 1283 with threonine.
Molecular consequence: missense variant.
Genome position (GRCh38, 1-based): chr2:168,923,741, C>T on the plus strand (G>A on the coding strand, the complement: ABCB11 is on the minus strand). VCF-style: chr2-168923741-C-T. GRCh37 (hg19) VCF-style: chr2-169780251-C-T.
Other names: c.3847G>A (NM_003742.2); short protein forms A1283T.
Identifiers: ClinVar variation 3713561 (VCV003713561.3).
Genomic context (GRCh38, chr2:168,923,741, plus strand): 5'-GTTCTTCATGGGTCCCCTTTTCAATCACCACCCCCTGTGCCATGACAGCAATGATATCCG[C>T]GTTCTGGATGGTGGACAAGCGATGGGCAATGACAATGCAGGTCCGACCCTCTCTGGCTTT-3'
Protein context (NP_003733.2, residues 1273-1293): IAHRLSTIQN[Ala1283Thr]DIIAVMAQGV